The following is an entry in ClinVar:

NM_000138.5(FBN1):c.6616+2T>A

Gene: FBN1 (fibrillin 1; minus strand). Cytogenetic location: 15q21.1.
Variant type: single nucleotide variant.
Coding change: c.6616+2T>A on transcript NM_000138.5 (MANE Select); the canonical splice donor site of the intron after coding-DNA position 6616, T replaced by A.
Molecular consequence: splice donor variant.
Genome position (GRCh38, 1-based): chr15:48,434,592, A>T on the plus strand (T>A on the coding strand, the complement: FBN1 is on the minus strand). VCF-style: chr15-48434592-A-T. GRCh37 (hg19) VCF-style: chr15-48726789-A-T.
Other names: c.6616+2T>A (NM_000138.4, NM_001406716.1).
Identifiers: ClinVar variation 3759272 (VCV003759272.3).
Genomic context (GRCh38, chr15:48,434,592, plus strand): 5'-ATCAACCAATTGTTCCCAGGATCAGTACACGTAATCAACTGTTCTCTGTTTAAGAGATGT[A>T]CCTTCACATGTCATCATTGGACCGGGCTCAAATCCCTCCTCGCAGGTGCATTCAAAACCT-3'

ClinVar aggregate classification (germline): Pathogenic. Review status: criteria provided, multiple submitters, no conflicts (2 of 4 stars). 2 submissions from 2 submitters: Pathogenic (2). Last evaluated 2025-06-14.

Conditions:
Marfan syndrome (MFS). Also called: MARFAN SYNDROME, TYPE I; Marfan syndrome type 1; Marfan's syndrome; Marfan syndrome, classic; FBN1-Related Marfan Syndrome. Identifiers: Orphanet 284963, Orphanet 558, MedGen C0024796, MONDO:0007947, OMIM 154700.
Familial thoracic aortic aneurysm and aortic dissection (TAAD). Also called: Thoracic aortic aneurysms and dissections. Identifiers: Orphanet 91387, MedGen C4707243, MONDO:0019625.

Submissions (2):

Labcorp Genetics (formerly Invitae), Labcorp
Classification: Pathogenic for Marfan syndrome; Familial thoracic aortic aneurysm and aortic dissection. Last evaluated: 2025-06-14. Review status: criteria provided, single submitter. Criteria: Invitae Variant Classification Sherloc (09022015). Collection method: clinical testing. Allele origin: germline.
Comment: This sequence change affects a donor splice site in intron 54 of the FBN1 gene. It is expected to disrupt RNA splicing. Variants that disrupt the donor or acceptor splice site typically lead to a loss of protein function (PMID: 16199547), and loss-of-function variants in FBN1 are known to be pathogenic (PMID: 17657824, 19293843). This variant is not present in population databases (gnomAD no frequency). Disruption of this splice site has been observed in individual(s) with Marfan syndrome (PMID: 19293843). In at least one individual the variant was observed to be de novo. ClinVar contains an entry for this variant (Variation ID: 3759272). Algorithms developed to predict the effect of sequence changes on RNA splicing suggest that this variant may disrupt the consensus splice site. For these reasons, this variant has been classified as Pathogenic.

Revvity Omics, Revvity
Classification: Pathogenic. Last evaluated: 2024-09-27. Review status: criteria provided, single submitter. Criteria: ACMG Guidelines, 2015. Collection method: clinical testing. Allele origin: germline.

Literature cited by the submitters: PubMed 16199547 (cited by Labcorp Genetics (formerly Invitae), Labcorp); PubMed 17657824 (cited by Labcorp Genetics (formerly Invitae), Labcorp); PubMed 19293843 (cited by Labcorp Genetics (formerly Invitae), Labcorp).